The following is an entry in ClinVar:

ClinVar aggregate classification (germline): Uncertain significance. Review status: criteria provided, multiple submitters, no conflicts (2 of 4 stars). 3 submissions from 3 submitters: Uncertain significance (3). Last evaluated 2024-11-19.

Conditions:
Osteogenesis imperfecta type 11. Also called: OI, TYPE XI; Osteogenesis imperfecta, type XI. Identifiers: Orphanet 666, MedGen C3151218, MONDO:0012592, OMIM 610968.

Allele frequency attached by ClinVar (database versions not stated): gnomAD 0.00002 and 0.00003; TOPMed 0.00002; ExAC 0.00003; gnomAD exomes 0.00004 and 0.00005.
gnomAD v4.1: 76 of 1,611,462 alleles (0.0047%); highest among the groups gnomAD compares: East Asian, 0.0067%; no homozygotes.

Submissions (3):

Labcorp Genetics (formerly Invitae), Labcorp
Classification: Uncertain significance. Last evaluated: 2024-11-19. Review status: criteria provided, single submitter. Criteria: Invitae Variant Classification Sherloc (09022015). Collection method: clinical testing. Allele origin: germline.
Comment: This sequence change affects codon 136 of the FKBP10 mRNA. It is a 'silent' change, meaning that it does not change the encoded amino acid sequence of the FKBP10 protein. This variant is present in population databases (rs781784785, gnomAD 0.01%). This variant has not been reported in the literature in individuals affected with FKBP10-related conditions. ClinVar contains an entry for this variant (Variation ID: 890440). Algorithms developed to predict the effect of sequence changes on RNA splicing suggest that this variant may disrupt the consensus splice site. In summary, the available evidence is currently insufficient to determine the role of this variant in disease. Therefore, it has been classified as a Variant of Uncertain Significance.

GeneDx
Classification: Uncertain significance. Last evaluated: 2022-05-09. Review status: criteria provided, single submitter. Criteria: GeneDx Variant Classification Process June 2021. Collection method: clinical testing. Allele origin: germline. Affected: yes.
Comment: Has not been previously published as pathogenic or benign to our knowledge

Illumina Laboratory Services, Illumina
Classification: Uncertain significance for Osteogenesis imperfecta type 11. Last evaluated: 2018-01-13. Review status: criteria provided, single submitter. Criteria: ICSL Variant Classification Criteria 13 December 2019. Collection method: clinical testing. Allele origin: germline.

NM_021939.4(FKBP10):c.408G>A (p.Pro136=)

Gene: FKBP10 (FKBP prolyl isomerase 10; plus strand). Cytogenetic location: 17q21.2.
Variant type: single nucleotide variant.
Coding change: c.408G>A on transcript NM_021939.4 (MANE Select); coding-DNA position 408, G replaced by A.
Protein change: p.Pro136=; no amino-acid change (proline 136 retained).
Molecular consequence: synonymous variant.
Genome position (GRCh38, 1-based): chr17:41,818,105, G>A. VCF-style: chr17-41818105-G-A. GRCh37 (hg19) VCF-style: chr17-39974357-G-A.
Identifiers: ClinVar variation 890440 (VCV000890440.8), dbSNP rs781784785, ClinGen allele CA8566239.
Genomic context (GRCh38, chr17:41,818,105, plus strand): 5'-GCAGAGCAGAACTCTGAGACCTCCACGCTGCTGCGCTCTCACAGCGGGGCTCATTCCACC[G>A]GATGCCACCCTCTACTTCGATGTGGTTCTGCTGGATGTGTGGAACAAGGAAGACACCGTG-3'
Protein context (NP_068758.3, residues 126-146): GSIGLAGLIP[Pro136=]DATLYFDVVL